The following is an entry in ClinVar:

ClinVar aggregate classification (germline): Uncertain significance (1 of 4 stars; one submission).

Submission:

GeneDx
Classification: Uncertain significance. Last evaluated: 2025-02-21. Review status: criteria provided, single submitter. Criteria: GeneDx Variant Classification Process June 2021. Collection method: clinical testing. Allele origin: germline. Affected: yes.
Comment: Not observed at significant frequency in large population cohorts (gnomAD); In silico analysis indicates that this missense variant does not alter protein structure/function; Has not been previously published as pathogenic or benign to our knowledge

NM_198880.3(QRICH1):c.865G>A (p.Val289Ile)

Gene: QRICH1 (glutamine rich 1; minus strand). Cytogenetic location: 3p21.31.
Variant type: single nucleotide variant.
Coding change: c.865G>A on transcript NM_198880.3 (MANE Select); coding-DNA position 865, G replaced by A.
Protein change: p.Val289Ile; replaces valine 289 with isoleucine.
Molecular consequence: missense variant.
Genome position (GRCh38, 1-based): chr3:49,057,335, C>T on the plus strand (G>A on the coding strand, the complement: QRICH1 is on the minus strand). VCF-style: chr3-49057335-C-T. GRCh37 (hg19) VCF-style: chr3-49094768-C-T.
Other names: c.865G>A, p.Val289Ile (NM_001320580.2, NM_001320581.2, NM_001320582.2 and 4 more transcripts); short protein forms V289I.
Identifiers: ClinVar variation 4076817 (VCV004076817.1).